The following is an entry in ClinVar:

ClinVar aggregate classification (germline): Conflicting classifications of pathogenicity. Review status: criteria provided, conflicting classifications (1 of 4 stars). 3 submissions from 3 submitters: Uncertain significance (2); Likely benign (1). Last evaluated 2025-08-11.

Conditions:
Hereditary nonpolyposis colorectal neoplasms. Identifiers: MedGen C0009405, MeSH D003123.
Hereditary cancer-predisposing syndrome. Also called: Hereditary neoplastic syndrome; Neoplastic Syndromes, Hereditary; Tumor predisposition; Hereditary Cancer Syndrome. Identifiers: Orphanet 140162, MedGen C0027672, MeSH D009386, MONDO:0015356.

gnomAD v4.1: 1 of 1,614,144 alleles (0.000062%); highest among the groups gnomAD compares: South Asian, 0.0011%; no homozygotes.

Submissions (3):

Labcorp Genetics (formerly Invitae), Labcorp
Classification: Likely benign for Hereditary nonpolyposis colorectal neoplasms. Last evaluated: 2025-08-11. Review status: criteria provided, single submitter. Criteria: Invitae Variant Classification Sherloc (09022015). Collection method: clinical testing. Allele origin: germline.

Ambry Genetics
Classification: Uncertain significance for Hereditary cancer-predisposing syndrome. Last evaluated: 2025-02-18. Review status: criteria provided, single submitter. Criteria: Ambry Variant Classification Scheme 2023. Collection method: clinical testing. Allele origin: germline.
Comment: The p.R911L variant (also known as c.2732G>T), located in coding exon 4 of the MSH6 gene, results from a G to T substitution at nucleotide position 2732. The arginine at codon 911 is replaced by leucine, an amino acid with dissimilar properties. This amino acid position is highly conserved in available vertebrate species. In addition, this alteration is predicted to be deleterious by in silico analysis. Based on the available evidence, the clinical significance of this variant remains unclear.

GeneDx
Classification: Uncertain significance. Last evaluated: 2017-02-16. Review status: criteria provided, single submitter. Criteria: GeneDx Variant Classification (06012015). Collection method: clinical testing. Allele origin: germline. Affected: yes.
Comment: This variant is denoted MSH6 c.2732G>T at the cDNA level, p.Arg911Leu (R911L) at the protein level, and results in the change of an Arginine to a Leucine (CGA>CTA). This variant has not, to our knowledge, been published in the literature as pathogenic or benign. MSH6 Arg911Leu was not observed in approximately 6,500 individuals of European and African American ancestry in the NHLBI Exome Sequencing Project, suggesting it is not a common benign variant in these populations. Since Arginine and Leucine differ in polarity, charge, size or other properties, this is considered a non-conservative amino acid substitution. MSH6 Arg911Leu occurs at a position that is not conserved and is located in the lever domain (Warren 2007, Kansikas 2010). In silico analyses are inconsistent regarding the effect this variant may have on protein structure and function. Based on currently available evidence, it is unclear whether MSH6 Arg911Leu is a pathogenic or benign variant. We consider it to be a variant of uncertain significance.

NM_000179.3(MSH6):c.2732G>T (p.Arg911Leu)

Gene: MSH6 (mutS homolog 6; plus strand). Cytogenetic location: 2p16.3.
Variant type: single nucleotide variant.
Coding change: c.2732G>T on transcript NM_000179.3 (MANE Select); coding-DNA position 2732, G replaced by T.
Protein change: p.Arg911Leu; replaces arginine 911 with leucine.
Molecular consequence: missense variant.
Genome position (GRCh38, 1-based): chr2:47,800,715, G>T. VCF-style: chr2-47800715-G-T. GRCh37 (hg19) VCF-style: chr2-48027854-G-T.
Other names: c.1826G>T, p.Arg609Leu (NM_001281494.2, NM_001281493.2); c.2342G>T, p.Arg781Leu (NM_001281492.2); short protein forms R911L, R781L, R609L.
Identifiers: ClinVar variation 423672 (VCV000423672.14), dbSNP rs761622304, ClinGen allele CA069561.